The following is an entry in ClinVar:

ClinVar aggregate classification (germline): Conflicting classifications of pathogenicity. Review status: criteria provided, conflicting classifications (1 of 4 stars). 3 submissions from 3 submitters: Uncertain significance (2); Likely benign (1). Last evaluated 2025-04-01.

Conditions:
Microcephaly and chorioretinopathy 1. Also called: Microcephaly and chorioretinopathy, autosomal recessive, 1. Identifiers: MedGen C3278481, MONDO:0009624, OMIM 251270.
Inborn genetic diseases. Identifiers: MedGen C0950123, MeSH D030342.

Allele frequency attached by ClinVar (database versions not stated): gnomAD 0.00001; TOPMed 0.00003; gnomAD exomes 0.00004 and 0.00008; ExAC 0.00004.

Submissions (3):

Ambry Genetics
Classification: Likely benign for Inborn genetic diseases. Last evaluated: 2025-04-01. Review status: criteria provided, single submitter. Criteria: Ambry Variant Classification Scheme 2023. Collection method: clinical testing. Allele origin: germline.

Labcorp Genetics (formerly Invitae), Labcorp
Classification: Uncertain significance. Last evaluated: 2022-10-05. Review status: criteria provided, single submitter. Criteria: Invitae Variant Classification Sherloc (09022015). Collection method: clinical testing. Allele origin: germline.
Comment: This sequence change replaces leucine, which is neutral and non-polar, with proline, which is neutral and non-polar, at codon 922 of the TUBGCP6 protein (p.Leu922Pro). This variant is present in population databases (rs750475050, gnomAD 0.06%), including at least one homozygous and/or hemizygous individual. This variant has not been reported in the literature in individuals affected with TUBGCP6-related conditions. ClinVar contains an entry for this variant (Variation ID: 954314). Algorithms developed to predict the effect of missense changes on protein structure and function are either unavailable or do not agree on the potential impact of this missense change (SIFT: "Deleterious"; PolyPhen-2: "Possibly Damaging"; Align-GVGD: "Class C0"). In summary, the available evidence is currently insufficient to determine the role of this variant in disease. Therefore, it has been classified as a Variant of Uncertain Significance.

Fulgent Genetics
Classification: Uncertain significance for Microcephaly and chorioretinopathy 1. Last evaluated: 2022-03-28. Review status: criteria provided, single submitter. Criteria: ACMG Guidelines, 2015. Collection method: clinical testing. Allele origin: unknown.

NM_020461.4(TUBGCP6):c.2765T>C (p.Leu922Pro)

Gene: TUBGCP6 (tubulin gamma complex component 6; minus strand). Cytogenetic location: 22q13.33.
Variant type: single nucleotide variant.
Coding change: c.2765T>C on transcript NM_020461.4 (MANE Select); coding-DNA position 2765, T replaced by C.
Protein change: p.Leu922Pro; replaces leucine 922 with proline.
Molecular consequence: missense variant.
Genome position (GRCh38, 1-based): chr22:50,221,594, A>G on the plus strand (T>C on the coding strand, the complement: TUBGCP6 is on the minus strand). VCF-style: chr22-50221594-A-G. GRCh37 (hg19) VCF-style: chr22-50660023-A-G.
Other names: short protein forms L922P.
Identifiers: ClinVar variation 954314 (VCV000954314.7), dbSNP rs750475050, ClinGen allele CA10308117.